The following is an entry in ClinVar:

NM_201384.3(PLEC):c.4694T>A (p.Val1565Glu)

Gene: PLEC (plectin; minus strand). Cytogenetic location: 8q24.3.
Variant type: single nucleotide variant.
Coding change: c.4694T>A on transcript NM_201384.3 (MANE Select); coding-DNA position 4694, T replaced by A.
Protein change: p.Val1565Glu; replaces valine 1565 with glutamic acid.
Molecular consequence: missense variant. On other transcripts: intron variant (1).
Genome position (GRCh38, 1-based): chr8:143,925,235, A>T on the plus strand (T>A on the coding strand, the complement: PLEC is on the minus strand). VCF-style: chr8-143925235-A-T. GRCh37 (hg19) VCF-style: chr8-144999403-A-T.
Other names: c.4775T>A, p.Val1592Glu (NM_000445.5); c.4652T>A, p.Val1551Glu (NM_201378.4); c.4628T>A, p.Val1543Glu (NM_201379.3); c.5105T>A, p.Val1702Glu (NM_201380.4); c.4598T>A, p.Val1533Glu (NM_201381.3); c.4694T>A, p.Val1565Glu (NM_201382.4); c.4706T>A, p.Val1569Glu (NM_201383.3); c.4125+1549T>A (NM_001410941.1); short protein forms V1565E, V1569E, V1592E, V1533E, V1702E, V1543E, V1551E.
Identifiers: ClinVar variation 4792698 (VCV004792698.1).

ClinVar aggregate classification (germline): Uncertain significance (1 of 4 stars; one submission).

Conditions:
Epidermolysis bullosa simplex with nail dystrophy (EBS5D). Identifiers: MedGen C4225309, MONDO:0014661, OMIM 616487.
Epidermolysis bullosa simplex, Ogna type (EBS5A). Also called: EPIDERMOLYSIS BULLOSA SIMPLEX 5A, OGNA TYPE; Pidermolysis bullosa simplex 5A, Ogna type. Identifiers: Orphanet 79401, MedGen C0432317, MONDO:0007555, OMIM 131950.
Autosomal recessive limb-girdle muscular dystrophy type 2Q (LGMDR17). Also called: MUSCULAR DYSTROPHY, LIMB-GIRDLE, AUTOSOMAL RECESSIVE 17. Identifiers: Orphanet 254361, MedGen C3150989, MONDO:0013390, OMIM 613723.
Epidermolysis bullosa simplex 5B, with muscular dystrophy (EBS5B). Also called: EPIDERMOLYSIS BULLOSA SIMPLEX AND LIMB-GIRDLE MUSCULAR DYSTROPHY; Epidermolysis bullosa simplex with muscular dystrophy. Identifiers: Orphanet 257, MedGen C2931072, MONDO:0009181, OMIM 226670.
Epidermolysis bullosa simplex 5C, with pyloric atresia (EBS5C). Also called: PLEC-Related Epidermolysis Bullosa with Pyloric Atresia; Epidermolysis bullosa simplex with pyloric atresia; PLEC1-Related Epidermolysis Bullosa with Pyloric Atresia. Identifiers: Orphanet 158684, MedGen C2677349, MONDO:0012807, OMIM 612138.

Submission:

Labcorp Genetics (formerly Invitae), Labcorp
Classification: Uncertain significance for Autosomal recessive limb-girdle muscular dystrophy type 2Q; Epidermolysis bullosa simplex, Ogna type; Epidermolysis bullosa simplex with nail dystrophy; Epidermolysis bullosa simplex 5C, with pyloric atresia; Epidermolysis bullosa simplex 5B, with muscular dystrophy. Last evaluated: 2025-10-25. Review status: criteria provided, single submitter. Criteria: Invitae Variant Classification Sherloc (09022015). Collection method: clinical testing. Allele origin: germline.
Comment: This sequence change replaces valine, which is neutral and non-polar, with glutamic acid, which is acidic and polar, at codon 1592 of the PLEC protein (p.Val1592Glu). This variant is not present in population databases (gnomAD no frequency). This variant has not been reported in the literature in individuals affected with PLEC-related conditions. Experimental studies and prediction algorithms are not available or were not evaluated, and the functional significance of this variant is currently unknown. In summary, the available evidence is currently insufficient to determine the role of this variant in disease. Therefore, it has been classified as a Variant of Uncertain Significance.